The following is an entry in ClinVar:

NM_001100.4(ACTA1):c.81C>A (p.Asp27Glu)

Gene: ACTA1 (actin alpha 1, skeletal muscle; minus strand). Cytogenetic location: 1q42.13.
Variant type: single nucleotide variant.
Coding change: c.81C>A on transcript NM_001100.4 (MANE Select); coding-DNA position 81, C replaced by A.
Protein change: p.Asp27Glu; replaces aspartic acid 27 with glutamic acid.
Molecular consequence: missense variant.
Genome position (GRCh38, 1-based): chr1:229,433,035, G>T on the plus strand (C>A on the coding strand, the complement: ACTA1 is on the minus strand). VCF-style: chr1-229433035-G-T. GRCh37 (hg19) VCF-style: chr1-229568782-G-T.
Other names: short protein forms D27E.
Identifiers: ClinVar variation 497440 (VCV000497440.8), dbSNP rs1553255533, ClinGen allele CA345151455.

ClinVar aggregate classification (germline): Uncertain significance. Review status: criteria provided, multiple submitters, no conflicts (2 of 4 stars). 2 submissions from 2 submitters: Uncertain significance (2). Last evaluated 2022-11-01.

Conditions:
Actin accumulation myopathy (CMYO2A). Also called: CONGENITAL MYOPATHY 2A, TYPICAL, AUTOSOMAL DOMINANT; Nemaline myopathy type 3; Myopathy, actin, congenital, with excess of thin myofilaments; Myopathy, actin, congenital, with cores; Nemaline myopathy 3, with intranuclear rods. Identifiers: Orphanet 98904, MedGen C3711389, MONDO:0008070, OMIM 161800.

Submissions (2):

Labcorp Genetics (formerly Invitae), Labcorp
Classification: Uncertain significance for Actin accumulation myopathy. Last evaluated: 2022-11-01. Review status: criteria provided, single submitter. Criteria: Invitae Variant Classification Sherloc (09022015). Collection method: clinical testing. Allele origin: germline.
Comment: In summary, the available evidence is currently insufficient to determine the role of this variant in disease. Therefore, it has been classified as a Variant of Uncertain Significance. Advanced modeling of protein sequence and biophysical properties (such as structural, functional, and spatial information, amino acid conservation, physicochemical variation, residue mobility, and thermodynamic stability) performed at Invitae indicates that this missense variant is not expected to disrupt ACTA1 protein function. ClinVar contains an entry for this variant (Variation ID: 497440). This variant has not been reported in the literature in individuals affected with ACTA1-related conditions. This variant is not present in population databases (gnomAD no frequency). This sequence change replaces aspartic acid, which is acidic and polar, with glutamic acid, which is acidic and polar, at codon 27 of the ACTA1 protein (p.Asp27Glu).

Eurofins Ntd Llc (ga)
Classification: Uncertain significance. Last evaluated: 2016-11-04. Review status: criteria provided, single submitter. Criteria: EGL Classification Definitions 2015. Collection method: clinical testing. Allele origin: germline. Observed: 1 variant allele, 1 heterozygote.